The following is an entry in ClinVar:

ClinVar aggregate classification (germline): Uncertain significance. Review status: criteria provided, multiple submitters, no conflicts (2 of 4 stars). 3 submissions from 3 submitters: Uncertain significance (3). Last evaluated 2026-09-16.

Conditions:
DNAAF5-related disorder. Also called: DNAAF5-related condition.
Primary ciliary dyskinesia. Also called: Ciliary dyskinesia. Identifiers: Orphanet 244, MedGen C0008780, MONDO:0016575, HP:0012265.

Allele frequency attached by ClinVar (database versions not stated): gnomAD 0.00001; TOPMed 0.00002.

Submissions (3):

PreventionGenetics, part of Exact Sciences
Classification: Uncertain significance for DNAAF5-related condition. Last evaluated: 2026-09-16. Review status: criteria provided, single submitter. Criteria: ACMG Guidelines, 2015. Collection method: clinical testing. Allele origin: germline.
Comment: The DNAAF5 c.440A>G variant is predicted to result in the amino acid substitution p.Gln147Arg. To our knowledge, this variant has not been reported in the literature or in a large population database (gnomAD), indicating this variant is rare. At this time, the clinical significance of this variant is uncertain due to the absence of conclusive functional and genetic evidence.

Labcorp Genetics (formerly Invitae), Labcorp
Classification: Uncertain significance for Primary ciliary dyskinesia. Last evaluated: 2022-09-01. Review status: criteria provided, single submitter. Criteria: Invitae Variant Classification Sherloc (09022015). Collection method: clinical testing. Allele origin: germline.
Comment: This sequence change replaces glutamine, which is neutral and polar, with arginine, which is basic and polar, at codon 147 of the DNAAF5 protein (p.Gln147Arg). This variant is not present in population databases (gnomAD no frequency). This variant has not been reported in the literature in individuals affected with DNAAF5-related conditions. ClinVar contains an entry for this variant (Variation ID: 241206). Algorithms developed to predict the effect of missense changes on protein structure and function are either unavailable or do not agree on the potential impact of this missense change (SIFT: "Tolerated"; PolyPhen-2: "Possibly Damaging"; Align-GVGD: "Class C0"). In summary, the available evidence is currently insufficient to determine the role of this variant in disease. Therefore, it has been classified as a Variant of Uncertain Significance.

Ambry Genetics
Classification: Uncertain significance for Primary ciliary dyskinesia. Last evaluated: 2017-04-18. Review status: criteria provided, single submitter. Criteria: Ambry Variant Classification Scheme 2023. Collection method: clinical testing. Allele origin: germline.
Comment: The p.Q147R variant (also known as c.440A>G), located in coding exon 1 of the DNAAF5 gene, results from an A to G substitution at nucleotide position 440. The glutamine at codon 147 is replaced by arginine, an amino acid with highly similar properties. This amino acid position is not well conserved in available vertebrate species. In addition, this alteration is predicted to be tolerated by in silico analysis. Since supporting evidence is limited at this time, the clinical significance of this alteration remains unclear.

NM_017802.4(DNAAF5):c.440A>G (p.Gln147Arg)

Genes: DNAAF5 (dynein axonemal assembly factor 5; plus strand), PRKAR1B (protein kinase cAMP-dependent type I regulatory subunit beta; minus strand). Cytogenetic location: 7p22.3.
Variant type: single nucleotide variant.
Coding change: c.440A>G on transcript NM_017802.4 (MANE Select); coding-DNA position 440, A replaced by G.
Protein change: p.Gln147Arg; replaces glutamine 147 with arginine.
Molecular consequence: missense variant. On other transcripts: non-coding transcript variant (1), intron variant (3).
Genome position (GRCh38, 1-based): chr7:727,160, A>G. VCF-style: chr7-727160-A-G. GRCh37 (hg19) VCF-style: chr7-766797-A-G.
Other names: c.-23+495T>C (NM_001164759.1); c.-23+430T>C (NM_001164758.2); c.-23+50T>C (NM_001164760.2); short protein forms Q147R.
Identifiers: ClinVar variation 241206 (VCV000241206.9), dbSNP rs878855038, ClinGen allele CA10582537.